The following is an entry in ClinVar:

NM_001199107.2(TBC1D24):c.*3712C>T

Gene: TBC1D24 (TBC1 domain family member 24; plus strand). Cytogenetic location: 16p13.3.
Variant type: single nucleotide variant.
Coding change: c.*3712C>T on transcript NM_001199107.2 (MANE Select); 3712 bases downstream of the stop codon, C replaced by T.
Molecular consequence: 3 prime UTR variant.
Genome position (GRCh38, 1-based): chr16:2,504,670, C>T. VCF-style: chr16-2504670-C-T. GRCh37 (hg19) VCF-style: chr16-2554671-C-T.
Other names: c.*3712C>T (NM_020705.3).
Identifiers: ClinVar variation 318692 (VCV000318692.5), dbSNP rs185371000, ClinGen allele CA10647255.

ClinVar aggregate classification (germline): Benign (1 of 4 stars; one submission).

Conditions:
Familial infantile myoclonic epilepsy (FIME). Also called: TBC1D24-Related Familial Infantile Myoclonic Epilepsy (FIME); Epilepsy, Myoclonic, Infantile. Identifiers: Orphanet 352582, MedGen C0917800, MONDO:0011506, OMIM 605021.

Allele frequency attached by ClinVar (database versions not stated): 1000 Genomes Project 0.01278; gnomAD 0.01568 and 0.01592; 1000 Genomes Project 30x 0.01202; TOPMed 0.01541.

Submission:

Illumina Laboratory Services, Illumina
Classification: Benign for Familial infantile myoclonic epilepsy. Last evaluated: 2018-01-13. Review status: criteria provided, single submitter. Criteria: ICSL Variant Classification Criteria 13 December 2019. Collection method: clinical testing. Allele origin: germline.
Comment: This variant was observed in the ICSL laboratory as part of a predisposition screen in an ostensibly healthy population. It had not been previously curated by ICSL or reported in the Human Gene Mutation Database (HGMD: prior to June 1st, 2018), and was therefore a candidate for classification through an automated scoring system. Utilizing variant allele frequency, disease prevalence and penetrance estimates, and inheritance mode, an automated score was calculated to assess if this variant is too frequent to cause the disease. Based on the score and internal cut-off values, a variant classified as benign is not then subjected to further curation. The score for this variant resulted in a classification of benign for this disease.